The following is an entry in ClinVar:

ClinVar aggregate classification (germline): Uncertain significance. Review status: criteria provided, multiple submitters, no conflicts (2 of 4 stars). 2 submissions from 2 submitters: Uncertain significance (2). Last evaluated 2025-09-30.

Allele frequency attached by ClinVar (database versions not stated): gnomAD 0.00007; ExAC 0.00008; TOPMed 0.00008; gnomAD exomes 0.00010; ESP Exome Variant Server 0.00015.
gnomAD v4.1: 82 of 1,613,694 alleles (0.0051%); highest among the groups gnomAD compares: Admixed American, 0.017%; no homozygotes.

Submissions (2):

Labcorp Genetics (formerly Invitae), Labcorp
Classification: Uncertain significance. Last evaluated: 2025-09-30. Review status: criteria provided, single submitter. Criteria: Invitae Variant Classification Sherloc (09022015). Collection method: clinical testing. Allele origin: germline.
Comment: This sequence change replaces aspartic acid, which is acidic and polar, with asparagine, which is neutral and polar, at codon 130 of the RBP4 protein (p.Asp130Asn). This variant is present in population databases (rs368943307, gnomAD 0.02%). This variant has not been reported in the literature in individuals affected with RBP4-related conditions. ClinVar contains an entry for this variant (Variation ID: 1002336). An algorithm developed to predict the effect of missense changes on protein structure and function outputs the following: PolyPhen-2: "Benign". The asparagine amino acid residue is found in multiple mammalian species, which suggests that this missense change does not adversely affect protein function. In summary, the available evidence is currently insufficient to determine the role of this variant in disease. Therefore, it has been classified as a Variant of Uncertain Significance.

Blueprint Genetics
Classification: Uncertain significance. Last evaluated: 2022-11-18. Review status: criteria provided, single submitter. Criteria: ACMG Guidelines, 2015. Collection method: clinical testing. Allele origin: germline.

NM_006744.4(RBP4):c.388G>A (p.Asp130Asn)

Gene: RBP4 (retinol binding protein 4; minus strand). Cytogenetic location: 10q23.33.
Variant type: single nucleotide variant.
Coding change: c.388G>A on transcript NM_006744.4 (MANE Select); coding-DNA position 388, G replaced by A.
Protein change: p.Asp130Asn; replaces aspartic acid 130 with asparagine.
Molecular consequence: missense variant.
Genome position (GRCh38, 1-based): chr10:93,594,003, C>T on the plus strand (G>A on the coding strand, the complement: RBP4 is on the minus strand). VCF-style: chr10-93594003-C-T. GRCh37 (hg19) VCF-style: chr10-95353760-C-T.
Other names: c.388G>A, p.Asp130Asn (NM_001323517.1); c.382G>A, p.Asp128Asn (NM_001323518.2); short protein forms D128N, D130N.
Identifiers: ClinVar variation 1002336 (VCV001002336.9), dbSNP rs368943307, ClinGen allele CA5609566.